The following is an entry in ClinVar:

ClinVar aggregate classification (germline): Pathogenic. Review status: reviewed by expert panel (3 of 4 stars). 5 submissions from 5 submitters: Pathogenic (1). 4 of the submissions do not count toward it. Last evaluated 2016-10-18.

Conditions:
Hereditary breast ovarian cancer syndrome. Also called: Hereditary breast and ovarian cancer syndrome; Hereditary breast and ovarian cancer; Hereditary breast and ovarian cancer syndrome (HBOC); Breast and ovarian cancer; Hereditary breast and/or ovarian cancer syndrome; BRCA1- and BRCA2-Associated Hereditary Breast and Ovarian Cancer. Identifiers: Orphanet 145, MedGen C0677776, MeSH D061325, MONDO:0003582. Disease mechanism: loss of function.
Breast-ovarian cancer, familial, susceptibility to, 2 (BROVCA2). Also called: BRCA2 Hereditary Breast and Ovarian Cancer. Identifiers: Orphanet 145, MedGen C2675520, MONDO:0012933, OMIM 612555. Disease mechanism: loss of function.
Hereditary cancer-predisposing syndrome. Also called: Neoplastic Syndromes, Hereditary; Tumor predisposition; Hereditary Cancer Syndrome; Hereditary neoplastic syndrome. Identifiers: Orphanet 140162, MedGen C0027672, MeSH D009386, MONDO:0015356.

Submissions (5):

Evidence-based Network for the Interpretation of Germline Mutant Alleles (ENIGMA)
Classification: Pathogenic for Breast-ovarian cancer, familial, susceptibility to, 2. Last evaluated: 2016-10-18. Review status: reviewed by expert panel. Criteria: ENIGMA BRCA1/2 Classification Criteria (2015). Collection method: curation. Allele origin: germline.
Comment: Variant allele predicted to encode a truncated non-functional protein.

Revvity Omics, Revvity
Classification: Pathogenic. Last evaluated: 2024-12-04. Review status: criteria provided, single submitter. Criteria: ACMG Guidelines, 2015. Collection method: clinical testing. Allele origin: germline. Not counted in ClinVar's aggregate classification.

Labcorp Genetics (formerly Invitae), Labcorp
Classification: Pathogenic for Hereditary breast ovarian cancer syndrome. Last evaluated: 2024-04-16. Review status: criteria provided, single submitter. Criteria: Invitae Variant Classification Sherloc (09022015). Collection method: clinical testing. Allele origin: germline. Not counted in ClinVar's aggregate classification.
Comment: This sequence change creates a premature translational stop signal (p.Tyr600Argfs*14) in the BRCA2 gene. It is expected to result in an absent or disrupted protein product. Loss-of-function variants in BRCA2 are known to be pathogenic (PMID: 20104584). This variant is not present in population databases (gnomAD no frequency). This premature translational stop signal has been observed in individual(s) with breast cancer (PMID: 22762150). ClinVar contains an entry for this variant (Variation ID: 51196). For these reasons, this variant has been classified as Pathogenic.

Ambry Genetics
Classification: Pathogenic for Hereditary cancer-predisposing syndrome. Last evaluated: 2024-01-05. Review status: criteria provided, single submitter. Criteria: Ambry Variant Classification Scheme 2023. Collection method: clinical testing. Allele origin: germline. Not counted in ClinVar's aggregate classification.
Comment: The c.1797_1801delTTATA pathogenic mutation, located in coding exon 9 of the BRCA2 gene, results from a deletion of 5 nucleotides at nucleotide positions 1797 to 1801, causing a translational frameshift with a predicted alternate stop codon (p.Y600Rfs*14). This variant is considered to be rare based on population cohorts in the Genome Aggregation Database (gnomAD). This alteration is expected to result in loss of function by premature protein truncation or nonsense-mediated mRNA decay. As such, this alteration is interpreted as a disease-causing mutation.

Consortium of Investigators of Modifiers of BRCA1/2 (CIMBA), c/o University of Cambridge
Classification: Pathogenic for Breast-ovarian cancer, familial, susceptibility to, 2. Last evaluated: 2015-10-02. Review status: criteria provided, single submitter. Criteria: CIMBA Mutation Classification guidelines May 2016. Collection method: clinical testing. Allele origin: germline. Not counted in ClinVar's aggregate classification.

Literature cited by the submitters: PubMed 20104584 (cited by Labcorp Genetics (formerly Invitae), Labcorp); PubMed 22762150 (cited by Labcorp Genetics (formerly Invitae), Labcorp).

NM_000059.4(BRCA2):c.1797_1801del (p.Tyr600fs)

Gene: BRCA2 (BRCA2 DNA repair associated; plus strand). Cytogenetic location: 13q13.1.
Variant type: Deletion.
Coding change: c.1797_1801del on transcript NM_000059.4 (MANE Select); coding-DNA positions 1797 to 1801, 5 bases deleted (TTATA; older notation c.1797_1801delTTATA).
Protein change: p.Tyr600fs; shifts the reading frame from tyrosine 600.
Molecular consequence: frameshift variant.
Genome position (GRCh38, 1-based): chr13:32,333,275-32,333,279, TTATA deleted. VCF-style (leftmost placement, unchanged base first): chr13-32333274-CTTATA-C. GRCh37 (hg19) VCF-style: chr13-32907411-CTTATA-C.
Other names: 2025del5-ter613; c.1797_1801delTTATA (NM_000059.3).
Identifiers: ClinVar variation 51196 (VCV000051196.13), dbSNP rs397507607, ClinGen allele CA013279.